The following is an entry in ClinVar:

ClinVar aggregate classification (germline): Uncertain significance (1 of 4 stars; one submission).

Conditions:
THSD7A-related disorder. Also called: THSD7A-related condition.

Allele frequency attached by ClinVar (database versions not stated): ExAC 0.00001; TOPMed 0.00002; gnomAD 0.00003.

Submission:

PreventionGenetics, part of Exact Sciences
Classification: Uncertain significance for THSD7A-related condition. Last evaluated: 2023-04-13. Review status: criteria provided, single submitter. Criteria: ACMG Guidelines, 2015. Collection method: clinical testing. Allele origin: germline.
Comment: The THSD7A c.4775_4779dup5 variant is predicted to result in a frameshift and premature protein termination (p.Phe1594Profs*13). To our knowledge, this variant has not been reported in the literature. This variant is reported in 0.0065% of alleles in individuals of African descent in gnomAD. At this time, the clinical significance of this variant is uncertain due to the absence of conclusive functional and genetic evidence.

NM_015204.3(THSD7A):c.4775_4779dup (p.Phe1594fs)

Gene: THSD7A (thrombospondin type 1 domain containing 7A; minus strand). Cytogenetic location: 7p21.3.
Variant type: Duplication.
Coding change: c.4775_4779dup on transcript NM_015204.3 (MANE Select); coding-DNA positions 4775 to 4779, 5 bases duplicated (CCTGG; older notation c.4775_4779dupCCTGG).
Protein change: p.Phe1594fs; shifts the reading frame from phenylalanine 1594.
Molecular consequence: frameshift variant.
Genome position (GRCh38, 1-based): chr7:11,379,092-11,379,096, CCAGG duplicated on the plus strand (CCTGG on the coding strand, the reverse complement: THSD7A is on the minus strand). VCF-style (leftmost placement, unchanged base first): chr7-11379091-A-ACCAGG. GRCh37 (hg19) VCF-style: chr7-11418718-A-ACCAGG.
Other names: short protein forms F1594fs.
Identifiers: ClinVar variation 2629273 (VCV002629273.1), dbSNP rs757846971, ClinGen allele CA4163445.
Genomic context (GRCh38, chr7:11,379,091, plus strand): 5'-CTAAAGGTTTCTCTTTCAACACTAGTCTAGTCAGTTCACCTGGCCCAAATGGCTGTAGAA[A>ACCAGG]CCAGGTCCTTCCCCGTCCTGCTGGGTTACTGGAGGGTTGGGTTGGATGTACAGCCCGACT-3'